The following is an entry in ClinVar:

NM_000208.4(INSR):c.3808C>T (p.Arg1270Cys)

Gene: INSR (insulin receptor; minus strand). Cytogenetic location: 19p13.2.
Variant type: single nucleotide variant.
Coding change: c.3808C>T on transcript NM_000208.4 (MANE Select); coding-DNA position 3808, C replaced by T.
Protein change: p.Arg1270Cys; replaces arginine 1270 with cysteine.
Molecular consequence: missense variant.
Genome position (GRCh38, 1-based): chr19:7,117,397, G>A on the plus strand (C>T on the coding strand, the complement: INSR is on the minus strand). VCF-style: chr19-7117397-G-A. GRCh37 (hg19) VCF-style: chr19-7117408-G-A.
Other names: c.3772C>T, p.Arg1258Cys (NM_001079817.3); short protein forms R1270C, R1258C.
Identifiers: ClinVar variation 1032928 (VCV001032928.1), dbSNP rs371841833, ClinGen allele CA9135134.

ClinVar aggregate classification (germline): Uncertain significance (1 of 4 stars; one submission).

Conditions:
Rabson-Mendenhall syndrome. Also called: MENDENHALL SYNDROME; Pineal Hyperplasia, Insulin-Resistant Diabetes Mellitus, and Somatic Abnormalities; Pineal hyperplasia AND diabetes mellitus syndrome. Identifiers: Orphanet 769, MedGen C0271695, MONDO:0009874, OMIM 262190.

Allele frequency attached by ClinVar (database versions not stated): gnomAD 0.00001; gnomAD exomes 0.00001; TOPMed 0.00002; ExAC 0.00003; ESP Exome Variant Server 0.00008.
gnomAD v4.1: 18 of 1,613,524 alleles (0.0011%); highest among the groups gnomAD compares: South Asian, 0.0088%; no homozygotes.

Submission:

Baylor Genetics
Classification: Uncertain significance for Rabson-Mendenhall syndrome. Last evaluated: 2018-12-04. Review status: criteria provided, single submitter. Criteria: ACMG Guidelines, 2015. Collection method: clinical testing. Allele origin: maternal. Affected: yes.
Comment: This variant was determined to be of uncertain significance according to ACMG Guidelines, 2015 [PMID:25741868].